The following is an entry in ClinVar:

NM_153676.4(USH1C):c.24del (p.Glu8fs)

Gene: USH1C (USH1 protein network component harmonin; minus strand). Cytogenetic location: 11p15.1.
Variant type: Deletion.
Coding change: c.24del on transcript NM_153676.4 (MANE Select); coding-DNA position 24, one base deleted (A; older notation c.24delA).
Protein change: p.Glu8fs; shifts the reading frame from glutamic acid 8.
Molecular consequence: frameshift variant. On other transcripts: non-coding transcript variant (1).
Genome position (GRCh38, 1-based): chr11:17,544,284, T deleted on the plus strand (A on the coding strand, the reverse complement: USH1C is on the minus strand); the first of 2 consecutive T bases (chr11:17,544,284-17,544,285); deleting either gives the same sequence. VCF-style (leftmost placement, unchanged base first): chr11-17544283-AT-A. GRCh37 (hg19) VCF-style: chr11-17565830-AT-A.
Other names: c.24delA (NM_005709.3); c.24del, p.Glu8fs (NM_001297764.2, NM_005709.4); short protein forms E8fs.
Identifiers: ClinVar variation 2914399 (VCV002914399.4), dbSNP rs758169847, ClinGen allele CA5905293.
Genomic context (GRCh38, chr11:17,544,283, plus strand): 5'-GCCCAGGACTCCGGAGTCCCAGAAGCCTGGGGCGCCCTGCAGCTCTGACCTTATGCCGGA[AT>A]TCTCGGGCCACTTTTCGGTCCATGGCTGGGCCAGGTCCAGCTGCGTCGTTGCACGACCCG-3'

ClinVar aggregate classification (germline): Pathogenic/Likely pathogenic. Review status: criteria provided, multiple submitters, no conflicts (2 of 4 stars). 2 submissions from 2 submitters: Pathogenic (1); Likely pathogenic (1). Last evaluated 2025-08-10.

Conditions:
Usher syndrome type 1C. Also called: USHER SYNDROME, TYPE I, ACADIAN VARIETY. Identifiers: Orphanet 231169, Orphanet 886, MedGen C1848604, MONDO:0010171, OMIM 276904.

Submissions (2):

Natera, Inc.
Classification: Likely pathogenic for Usher syndrome type 1C. Last evaluated: 2025-08-10. Review status: criteria provided, single submitter. Criteria: Natera Variant Classification Schema (03/2026). Collection method: clinical testing. Allele origin: germline.
Comment: The c.24delA variant in USH1C is a frameshift variant predicted to shift the reading frame beginning at codon 8 and leads to a stop codon 9 codons downstream. This variant is expected to result in nonsense mediated decay, truncation, or a dysfunctional protein product. This variant is rare in the general population with a frequency below the threshold expected for the associated phenotype(s). Given the available evidence, this variant is classified as Likely Pathogenic.

Labcorp Genetics (formerly Invitae), Labcorp
Classification: Pathogenic. Last evaluated: 2024-01-10. Review status: criteria provided, single submitter. Criteria: Invitae Variant Classification Sherloc (09022015). Collection method: clinical testing. Allele origin: germline.
Comment: This sequence change creates a premature translational stop signal (p.Glu8Aspfs*9) in the USH1C gene. It is expected to result in an absent or disrupted protein product. Loss-of-function variants in USH1C are known to be pathogenic (PMID: 10973247, 17407589, 20301442, 21203349). This variant is present in population databases (rs758169847, gnomAD 0.0009%). This premature translational stop signal has been observed in individual(s) with Usher syndrome (PMID: 31964843). For these reasons, this variant has been classified as Pathogenic.

Literature cited by the submitters: PubMed 10973247 (cited by Labcorp Genetics (formerly Invitae), Labcorp); PubMed 17407589 (cited by Labcorp Genetics (formerly Invitae), Labcorp); PubMed 20301442 (cited by Labcorp Genetics (formerly Invitae), Labcorp); PubMed 21203349 (cited by Labcorp Genetics (formerly Invitae), Labcorp); PubMed 31964843 (cited by Labcorp Genetics (formerly Invitae), Labcorp).